The following is an entry in ClinVar:

NM_000046.5(ARSB):c.217G>A (p.Asp73Asn)

Genes: ARSB (arylsulfatase B; minus strand), LOC129994126 (ATAC-STARR-seq lymphoblastoid silent region 16127; plus strand). Cytogenetic location: 5q14.1.
Variant type: single nucleotide variant.
Coding change: c.217G>A on transcript NM_000046.5 (MANE Select); coding-DNA position 217, G replaced by A.
Protein change: p.Asp73Asn; replaces aspartic acid 73 with asparagine.
Molecular consequence: missense variant.
Genome position (GRCh38, 1-based): chr5:78,985,032, C>T on the plus strand (G>A on the coding strand, the complement: ARSB is on the minus strand). VCF-style: chr5-78985032-C-T. GRCh37 (hg19) VCF-style: chr5-78280855-C-T.
Other names: c.217G>A, p.Asp73Asn (NM_198709.3); short protein forms D73N.
Identifiers: ClinVar variation 3707005 (VCV003707005.3).

ClinVar aggregate classification (germline): Uncertain significance. Review status: criteria provided, multiple submitters, no conflicts (2 of 4 stars). 2 submissions from 2 submitters: Uncertain significance (2). Last evaluated 2024-11-02.

Conditions:
Mucopolysaccharidosis type 6 (MPS6). Also called: MPS 6; Maroteaux Lamy syndrome; MPS VI; ARSB DEFICIENCY; ARYLSULFATASE B DEFICIENCY; N-ACETYLGALACTOSAMINE-4-SULFATASE DEFICIENCY. Identifiers: Orphanet 583, MedGen C0026709, MONDO:0009661, OMIM 253200.

Submissions (2):

Labcorp Genetics (formerly Invitae), Labcorp
Classification: Uncertain significance for Mucopolysaccharidosis type 6. Last evaluated: 2024-11-02. Review status: criteria provided, single submitter. Criteria: Invitae Variant Classification Sherloc (09022015). Collection method: clinical testing. Allele origin: germline.
Comment: This sequence change replaces aspartic acid, which is acidic and polar, with asparagine, which is neutral and polar, at codon 73 of the ARSB protein (p.Asp73Asn). This variant is present in population databases (no rsID available, gnomAD 0.008%). This variant has not been reported in the literature in individuals affected with ARSB-related conditions. Invitae Evidence Modeling of protein sequence and biophysical properties (such as structural, functional, and spatial information, amino acid conservation, physicochemical variation, residue mobility, and thermodynamic stability) has been performed for this missense variant. However, the output from this modeling did not meet the statistical confidence thresholds required to predict the impact of this variant on ARSB protein function. In summary, the available evidence is currently insufficient to determine the role of this variant in disease. Therefore, it has been classified as a Variant of Uncertain Significance.

Blueprint Genetics
Classification: Uncertain significance. Last evaluated: 2023-07-27. Review status: criteria provided, single submitter. Criteria: ACMG Guidelines, 2015. Collection method: clinical testing. Allele origin: germline.